The following is an entry in ClinVar:

ClinVar aggregate classification (germline): Uncertain significance (1 of 4 stars; one submission).

Conditions:
Fabry disease. Also called: Fabry's disease; ALPHA-GALACTOSIDASE A DEFICIENCY; ANDERSON-FABRY DISEASE; CERAMIDE TRIHEXOSIDASE DEFICIENCY; GLA DEFICIENCY; HEREDITARY DYSTOPIC LIPIDOSIS. Identifiers: Orphanet 324, MedGen C0002986, MONDO:0010526, OMIM 301500, HP:0001071. Disease mechanism: Fabry disease is due to inactivating mutations in the X-linked GLA gene resulting in deficiency of the enzyme Alpha Galactosidase-A., loss of function.

Submission:

Labcorp Genetics (formerly Invitae), Labcorp
Classification: Uncertain significance for Fabry disease. Last evaluated: 2025-04-28. Review status: criteria provided, single submitter. Criteria: Invitae Variant Classification Sherloc (09022015). Collection method: clinical testing. Allele origin: germline.
Comment: This sequence change replaces phenylalanine, which is neutral and non-polar, with leucine, which is neutral and non-polar, at codon 383 of the GLA protein (p.Phe383Leu). This variant is not present in population databases (gnomAD no frequency). This variant has not been reported in the literature in individuals affected with GLA-related conditions. ClinVar contains an entry for this variant (Variation ID: 2417054). Invitae Evidence Modeling of protein sequence and biophysical properties (such as structural, functional, and spatial information, amino acid conservation, physicochemical variation, residue mobility, and thermodynamic stability) indicates that this missense variant is not expected to disrupt GLA protein function with a negative predictive value of 80%. Experimental studies have shown that this missense change affects GLA function (PMID: 19621417). In summary, the available evidence is currently insufficient to determine the role of this variant in disease. Therefore, it has been classified as a Variant of Uncertain Significance.

Literature cited by the submitters: PubMed 19621417.

NM_000169.3(GLA):c.1147T>C (p.Phe383Leu)

Genes: GLA (galactosidase alpha; minus strand), RPL36A-HNRNPH2 (RPL36A-HNRNPH2 readthrough; plus strand). Cytogenetic location: Xq22.1.
Variant type: single nucleotide variant.
Coding change: c.1147T>C on transcript NM_000169.3 (MANE Select); coding-DNA position 1147, T replaced by C.
Protein change: p.Phe383Leu; replaces phenylalanine 383 with leucine.
Molecular consequence: missense variant. On other transcripts: non-coding transcript variant (3), intron variant (2).
Genome position (GRCh38, 1-based): chrX:101,397,952, A>G on the plus strand (T>C on the coding strand, the complement: GLA is on the minus strand). VCF-style: chrX-101397952-A-G. GRCh37 (hg19) VCF-style: chrX-100652940-A-G.
Other names: c.1270T>C, p.Phe424Leu (NM_001406747.1); c.300+2495A>G (NM_001199973.2); c.177+6130A>G (NM_001199974.2); short protein forms F383L, F424L.
Identifiers: ClinVar variation 2417054 (VCV002417054.11), dbSNP rs2520850775, ClinGen allele CA413920228.
Genomic context (GRCh38, chrX:101,397,952, plus strand): 5'-ACCTTGAAGTCCATTCATAGAACCCTAGCTTCCTTTTCACAGGGAGGAGCTGTGTGATGA[A>G]GCAGGCAGGATTACAGGCCACTCCTTTACCCAGGGAAGCAACTGCGATGGTATAAGAGCG-3'
Protein context (NP_000160.1, residues 373-393): GKGVACNPAC[Phe383Leu]ITQLLPVKRK